The following is an entry in ClinVar:

ClinVar aggregate classification (germline): Uncertain significance (1 of 4 stars; one submission).

Conditions:
Hereditary pancreatitis (PCTT). Also called: Hereditary chronic pancreatitis; PRSS1-Related Hereditary Pancreatitis. Identifiers: Orphanet 676, MedGen C0238339, MONDO:0008185, OMIM 167800.

gnomAD v4.1: 2 of 1,614,024 alleles (0.00012%); highest among the groups gnomAD compares: South Asian, 0.0011%; no homozygotes.

Submission:

Ambry Genetics
Classification: Uncertain significance for Hereditary pancreatitis. Last evaluated: 2021-04-29. Review status: criteria provided, single submitter. Criteria: Ambry Variant Classification Scheme 2023. Collection method: clinical testing. Allele origin: germline.
Comment: The p.A117S variant (also known as c.349G>T), located in coding exon 3 of the PRSS1 gene, results from a G to T substitution at nucleotide position 349. The alanine at codon 117 is replaced by serine, an amino acid with similar properties. This amino acid position is well conserved in available vertebrate species. In addition, the in silico prediction for this alteration is inconclusive. Since supporting evidence is limited at this time, the clinical significance of this alteration remains unclear.

NM_002769.5(PRSS1):c.349G>T (p.Ala117Ser)

Genes: TRB (T cell receptor beta locus; plus strand), PRSS1 (serine protease 1; plus strand). Cytogenetic location: 7q34.
Variant type: single nucleotide variant.
Coding change: c.349G>T on transcript NM_002769.5 (MANE Select); coding-DNA position 349, G replaced by T.
Protein change: p.Ala117Ser; replaces alanine 117 with serine.
Molecular consequence: missense variant. On other transcripts: non-coding transcript variant (4).
Genome position (GRCh38, 1-based): chr7:142,751,922, G>T. VCF-style: chr7-142751922-G-T. GRCh37 (hg19) VCF-style: chr7-142459773-G-T.
Other names: short protein forms A117S.
Identifiers: ClinVar variation 1732033 (VCV001732033.2), dbSNP rs1454337017, ClinGen allele CA369608889.